The following is an entry in ClinVar:

ClinVar aggregate classification (germline): Uncertain significance (1 of 4 stars; one submission).

Allele frequency attached by ClinVar (database versions not stated): gnomAD exomes below 0.00001; gnomAD 0.00001; TOPMed 0.00001; ESP Exome Variant Server 0.00008.
gnomAD v4.1: 5 of 1,591,936 alleles (0.00031%); highest among the groups gnomAD compares: Non-Finnish European, 0.00043%; no homozygotes.

Submission:

Labcorp Genetics (formerly Invitae), Labcorp
Classification: Uncertain significance. Last evaluated: 2022-06-03. Review status: criteria provided, single submitter. Criteria: Invitae Variant Classification Sherloc (09022015). Collection method: clinical testing. Allele origin: germline.
Comment: This sequence change replaces tryptophan, which is neutral and slightly polar, with serine, which is neutral and polar, at codon 67 of the RAB28 protein (p.Trp67Ser). This variant is present in population databases (rs374669759, gnomAD 0.007%). This variant has not been reported in the literature in individuals affected with RAB28-related conditions. ClinVar contains an entry for this variant (Variation ID: 837759). Algorithms developed to predict the effect of missense changes on protein structure and function are either unavailable or do not agree on the potential impact of this missense change (SIFT: "Deleterious"; PolyPhen-2: "Benign"; Align-GVGD: "Class C35"). In summary, the available evidence is currently insufficient to determine the role of this variant in disease. Therefore, it has been classified as a Variant of Uncertain Significance.

NM_001017979.3(RAB28):c.200G>C (p.Trp67Ser)

Gene: RAB28 (RAB28, member RAS oncogene family; minus strand). Cytogenetic location: 4p15.33.
Variant type: single nucleotide variant.
Coding change: c.200G>C on transcript NM_001017979.3 (MANE Select); coding-DNA position 200, G replaced by C.
Protein change: p.Trp67Ser; replaces tryptophan 67 with serine.
Molecular consequence: missense variant.
Genome position (GRCh38, 1-based): chr4:13,474,379, C>G on the plus strand (G>C on the coding strand, the complement: RAB28 is on the minus strand). VCF-style: chr4-13474379-C-G. GRCh37 (hg19) VCF-style: chr4-13476003-C-G.
Other names: c.200G>C, p.Trp67Ser (NM_001159601.2, NM_004249.4); short protein forms W67S.
Identifiers: ClinVar variation 837759 (VCV000837759.7), dbSNP rs374669759, ClinGen allele CA92469751.